The following is an entry in ClinVar:

ClinVar aggregate classification (germline): Uncertain significance (1 of 4 stars; one submission).

Conditions:
Hereditary spastic paraplegia 8 (SPG8). Also called: SPASTIC PARAPLEGIA 8, AUTOSOMAL DOMINANT. Identifiers: Orphanet 100989, MedGen C1863704, MONDO:0011339, OMIM 603563.
Ritscher-Schinzel syndrome. Also called: CRANIOCEREBELLOCARDIAC DYSPLASIA. Identifiers: Orphanet 7, MedGen C0796137, MONDO:0019078.

Allele frequency attached by ClinVar (database versions not stated): gnomAD exomes below 0.00001.
gnomAD v4.1: 2 of 1,613,934 alleles (0.00012%); highest among the groups gnomAD compares: Admixed American, 0.0033%; no homozygotes.

Submission:

Labcorp Genetics (formerly Invitae), Labcorp
Classification: Uncertain significance for Ritscher-Schinzel syndrome; Hereditary spastic paraplegia 8. Last evaluated: 2022-06-09. Review status: criteria provided, single submitter. Criteria: Invitae Variant Classification Sherloc (09022015). Collection method: clinical testing. Allele origin: germline.
Comment: In summary, the available evidence is currently insufficient to determine the role of this variant in disease. Therefore, it has been classified as a Variant of Uncertain Significance. Algorithms developed to predict the effect of missense changes on protein structure and function are either unavailable or do not agree on the potential impact of this missense change (SIFT: "Tolerated"; PolyPhen-2: "Probably Damaging"; Align-GVGD: "Class C0"). This variant has not been reported in the literature in individuals affected with WASHC5-related conditions. This variant is present in population databases (no rsID available, gnomAD 0.006%). This sequence change replaces glutamic acid, which is acidic and polar, with glutamine, which is neutral and polar, at codon 245 of the WASHC5 protein (p.Glu245Gln).

NM_014846.4(WASHC5):c.733G>C (p.Glu245Gln)

Gene: WASHC5 (WASH complex subunit 5; minus strand). Cytogenetic location: 8q24.13.
Variant type: single nucleotide variant.
Coding change: c.733G>C on transcript NM_014846.4 (MANE Select); coding-DNA position 733, G replaced by C.
Protein change: p.Glu245Gln; replaces glutamic acid 245 with glutamine.
Molecular consequence: missense variant.
Genome position (GRCh38, 1-based): chr8:125,076,479, C>G on the plus strand (G>C on the coding strand, the complement: WASHC5 is on the minus strand). VCF-style: chr8-125076479-C-G. GRCh37 (hg19) VCF-style: chr8-126088721-C-G.
Other names: c.289G>C, p.Glu97Gln (NM_001330609.2); short protein forms E97Q, E245Q.
Identifiers: ClinVar variation 2182970 (VCV002182970.4), dbSNP rs1182524560, ClinGen allele CA372195468.